The following is an entry in ClinVar:

ClinVar aggregate classification (germline): Likely benign. Review status: criteria provided, multiple submitters, no conflicts (2 of 4 stars). 2 submissions from 2 submitters: Likely benign (2). Last evaluated 2024-05-14.

Allele frequency attached by ClinVar (database versions not stated): gnomAD exomes 0.00001; ExAC 0.00002; TOPMed 0.00003; gnomAD 0.00004.

Submissions (2):

Labcorp Genetics (formerly Invitae), Labcorp
Classification: Likely benign. Last evaluated: 2024-05-14. Review status: criteria provided, single submitter. Criteria: Invitae Variant Classification Sherloc (09022015). Collection method: clinical testing. Allele origin: germline.

CeGaT Center for Human Genetics Tuebingen
Classification: Likely benign. Last evaluated: 2024-03-01. Review status: criteria provided, single submitter. Criteria: CeGaT Center For Human Genetics Tuebingen Variant Classification Criteria Version 2. Collection method: clinical testing. Allele origin: germline. Affected: yes. Observed: 1 variant allele.
Comment: CNTNAP1: BP4, BP7

NM_003632.3(CNTNAP1):c.1992T>C (p.Asn664=)

Gene: CNTNAP1 (contactin associated protein 1; plus strand). Cytogenetic location: 17q21.2.
Variant type: single nucleotide variant.
Coding change: c.1992T>C on transcript NM_003632.3 (MANE Select); coding-DNA position 1992, T replaced by C.
Protein change: p.Asn664=; no amino-acid change (asparagine 664 retained).
Molecular consequence: synonymous variant.
Genome position (GRCh38, 1-based): chr17:42,690,875, T>C. VCF-style: chr17-42690875-T-C. GRCh37 (hg19) VCF-style: chr17-40842893-T-C.
Identifiers: ClinVar variation 3067376 (VCV003067376.23), dbSNP rs761468091, ClinGen allele CA8581932.